The following is an entry in ClinVar:

ClinVar aggregate classification (germline): Uncertain significance (1 of 4 stars; one submission).

Conditions:
Hereditary cancer-predisposing syndrome. Also called: Hereditary neoplastic syndrome; Tumor predisposition; Hereditary Cancer Syndrome; Neoplastic Syndromes, Hereditary. Identifiers: Orphanet 140162, MedGen C0027672, MeSH D009386, MONDO:0015356.

Submission:

Ambry Genetics
Classification: Uncertain significance for Hereditary cancer-predisposing syndrome. Last evaluated: 2023-07-20. Review status: criteria provided, single submitter. Criteria: Ambry Variant Classification Scheme 2023. Collection method: clinical testing. Allele origin: germline.
Comment: The p.F320L variant (also known as c.960T>A), located in coding exon 9 of the PMS2 gene, results from a T to A substitution at nucleotide position 960. The phenylalanine at codon 320 is replaced by leucine, an amino acid with highly similar properties. This amino acid position is well conserved in available vertebrate species. In addition, this alteration is predicted to be deleterious by in silico analysis. Since supporting evidence is limited at this time, the clinical significance of this alteration remains unclear.

NM_000535.7(PMS2):c.960T>A (p.Phe320Leu)

Gene: PMS2 (PMS1 homolog 2, mismatch repair system component; minus strand). Cytogenetic location: 7p22.1.
Variant type: single nucleotide variant.
Coding change: c.960T>A on transcript NM_000535.7 (MANE Select); coding-DNA position 960, T replaced by A.
Protein change: p.Phe320Leu; replaces phenylalanine 320 with leucine.
Molecular consequence: missense variant. On other transcripts: non-coding transcript variant (1), intron variant (1).
Genome position (GRCh38, 1-based): chr7:5,992,001, A>T on the plus strand (T>A on the coding strand, the complement: PMS2 is on the minus strand). VCF-style: chr7-5992001-A-T. GRCh37 (hg19) VCF-style: chr7-6031632-A-T.
Other names: c.555T>A, p.Phe185Leu (NM_001018040.1, NM_001322003.2, NM_001322004.2 and 20 more transcripts); c.960T>A, p.Phe320Leu (NM_001322006.2, NM_001322014.2, NM_001406870.1 and 2 more transcripts); c.642T>A, p.Phe214Leu (NM_001322007.2, NM_001322008.2, NM_001406876.1 and 4 more transcripts); c.27T>A, p.Phe9Leu (NM_001322011.2, NM_001322012.2); c.387T>A, p.Phe129Leu (NM_001322013.2, NM_001406909.1); c.651T>A, p.Phe217Leu (NM_001322015.2, NM_001406875.1, NM_001406877.1 and 6 more transcripts); c.1146T>A, p.Phe382Leu (NM_001406866.1); c.984T>A, p.Phe328Leu (NM_001406868.1); and 8 more; short protein forms F149L, F264L, F382L, F214L, F320L, F328L, F9L, F129L.
Identifiers: ClinVar variation 2586332 (VCV002586332.2), dbSNP rs2536008524, ClinGen allele CA366743112.